The following is an entry in ClinVar:

NM_018847.4(KLHL9):c.1582A>G (p.Ile528Val)

Gene: KLHL9 (kelch like family member 9; minus strand). Cytogenetic location: 9p21.3.
Variant type: single nucleotide variant.
Coding change: c.1582A>G on transcript NM_018847.4 (MANE Select); coding-DNA position 1582, A replaced by G.
Protein change: p.Ile528Val; replaces isoleucine 528 with valine.
Molecular consequence: missense variant.
Genome position (GRCh38, 1-based): chr9:21,333,278, T>C on the plus strand (A>G on the coding strand, the complement: KLHL9 is on the minus strand). VCF-style: chr9-21333278-T-C. GRCh37 (hg19) VCF-style: chr9-21333277-T-C.
Other names: short protein forms I528V.
Identifiers: ClinVar variation 1442412 (VCV001442412.9), dbSNP rs368206630, ClinGen allele CA5010495.

ClinVar aggregate classification (germline): Uncertain significance. Review status: criteria provided, multiple submitters, no conflicts (2 of 4 stars). 2 submissions from 2 submitters: Uncertain significance (2). Last evaluated 2022-11-26.

Allele frequency attached by ClinVar (database versions not stated): gnomAD exomes 0.00001; gnomAD 0.00005 and 0.00006; ESP Exome Variant Server 0.00008; TOPMed 0.00008.

Submissions (2):

Labcorp Genetics (formerly Invitae), Labcorp
Classification: Uncertain significance. Last evaluated: 2022-11-26. Review status: criteria provided, single submitter. Criteria: Invitae Variant Classification Sherloc (09022015). Collection method: clinical testing. Allele origin: germline.
Comment: Algorithms developed to predict the effect of missense changes on protein structure and function are either unavailable or do not agree on the potential impact of this missense change (SIFT: "Not Available"; PolyPhen-2: "Benign"; Align-GVGD: "Not Available"). This sequence change replaces isoleucine, which is neutral and non-polar, with valine, which is neutral and non-polar, at codon 528 of the KLHL9 protein (p.Ile528Val). This variant is present in population databases (rs368206630, gnomAD 0.02%). This variant has not been reported in the literature in individuals affected with KLHL9-related conditions. ClinVar contains an entry for this variant (Variation ID: 1442412). In summary, the available evidence is currently insufficient to determine the role of this variant in disease. Therefore, it has been classified as a Variant of Uncertain Significance.

Breakthrough Genomics
Classification: Uncertain significance. Review status: criteria provided, single submitter. Criteria: ACMG Guidelines, 2015. Collection method: not provided. Allele origin: germline. Inheritance: Autosomal recessive inheritance. Affected: yes.